The following is an entry in ClinVar:

NM_015041.3(CLUAP1):c.307_308delinsTC (p.Val103Ser)

Gene: CLUAP1 (clusterin associated protein 1; plus strand). Cytogenetic location: 16p13.3.
Variant type: Indel.
Coding change: c.307_308delinsTC on transcript NM_015041.3 (MANE Select); coding-DNA positions 307 to 308, GT replaced by TC.
Protein change: p.Val103Ser; replaces valine 103 with serine.
Molecular consequence: missense variant.
Genome position (GRCh38, 1-based): chr16:3,508,376-3,508,377, GT replaced by TC. VCF-style: chr16-3508376-GT-TC. GRCh37 (hg19) VCF-style: chr16-3558376-GT-TC.
Other names: c.307_308delinsTC, p.Val103Ser (NM_001330454.2); short protein forms V103S.
Identifiers: ClinVar variation 970447 (VCV000970447.10), dbSNP rs2037549406, ClinGen allele CA1139664444.

ClinVar aggregate classification (germline): Uncertain significance (1 of 4 stars; one submission).

Submission:

Labcorp Genetics (formerly Invitae), Labcorp
Classification: Uncertain significance. Last evaluated: 2022-08-16. Review status: criteria provided, single submitter. Criteria: Invitae Variant Classification Sherloc (09022015). Collection method: clinical testing. Allele origin: germline.
Comment: This sequence change replaces valine, which is neutral and non-polar, with serine, which is neutral and polar, at codon 103 of the CLUAP1 protein (p.Val103Ser). Information on the frequency of this variant in the gnomAD database is not available, as this variant may be reported differently in the database. This variant has not been reported in the literature in individuals affected with CLUAP1-related conditions. ClinVar contains an entry for this variant (Variation ID: 970447). Algorithms developed to predict the effect of missense changes on protein structure and function are either unavailable or do not agree on the potential impact of this missense change (SIFT: "Not Available"; PolyPhen-2: "Probably Damaging"; Align-GVGD: "Not Available"). In summary, the available evidence is currently insufficient to determine the role of this variant in disease. Therefore, it has been classified as a Variant of Uncertain Significance.